The following is an entry in ClinVar:

ClinVar aggregate classification (germline): Uncertain significance (1 of 4 stars; one submission).

Conditions:
Autosomal dominant Parkinson disease 8. Also called: Parkinson disease 8; LRRK2-Related Parkinson Disease; Parkinson disease 8, susceptibility to. Identifiers: Orphanet 411602, MedGen C1846862, MONDO:0011764, OMIM 607060.

Allele frequency attached by ClinVar (database versions not stated): gnomAD exomes 0.00005.
gnomAD v4.1: 77 of 1,613,948 alleles (0.0048%); highest among the groups gnomAD compares: Non-Finnish European, 0.0063%; no homozygotes.

Submission:

Labcorp Genetics (formerly Invitae), Labcorp
Classification: Uncertain significance for Autosomal dominant Parkinson disease 8. Last evaluated: 2021-09-19. Review status: criteria provided, single submitter. Criteria: Invitae Variant Classification Sherloc (09022015). Collection method: clinical testing. Allele origin: germline.
Comment: This sequence change replaces methionine with valine at codon 579 of the LRRK2 protein (p.Met579Val). The methionine residue is weakly conserved and there is a small physicochemical difference between methionine and valine. In summary, the available evidence is currently insufficient to determine the role of this variant in disease. Therefore, it has been classified as a Variant of Uncertain Significance. Algorithms developed to predict the effect of missense changes on protein structure and function output the following: SIFT: "Tolerated"; PolyPhen-2: "Benign"; Align-GVGD: "Class C0". The valine amino acid residue is found in multiple mammalian species, which suggests that this missense change does not adversely affect protein function. This missense change has been observed in individual(s) with Parkinson disease (PMID: 24565865). This variant is not present in population databases (ExAC no frequency).

Literature cited by the submitters: PubMed 24565865.

NM_198578.4(LRRK2):c.1735A>G (p.Met579Val)

Gene: LRRK2 (leucine rich repeat kinase 2; plus strand). Cytogenetic location: 12q12.
Variant type: single nucleotide variant.
Coding change: c.1735A>G on transcript NM_198578.4 (MANE Select); coding-DNA position 1735, A replaced by G.
Protein change: p.Met579Val; replaces methionine 579 with valine.
Molecular consequence: missense variant.
Genome position (GRCh38, 1-based): chr12:40,274,661, A>G. VCF-style: chr12-40274661-A-G. GRCh37 (hg19) VCF-style: chr12-40668463-A-G.
Other names: short protein forms M579V.
Identifiers: ClinVar variation 1443453 (VCV001443453.6), dbSNP rs1272594530, ClinGen allele CA384403065.